The following is an entry in ClinVar:

NM_000603.5(NOS3):c.284C>T (p.Thr95Ile)

Gene: NOS3 (nitric oxide synthase 3; plus strand). Cytogenetic location: 7q36.1.
Variant type: single nucleotide variant.
Coding change: c.284C>T on transcript NM_000603.5 (MANE Select); coding-DNA position 284, C replaced by T.
Protein change: p.Thr95Ile; replaces threonine 95 with isoleucine.
Molecular consequence: missense variant.
Genome position (GRCh38, 1-based): chr7:150,996,417, C>T. VCF-style: chr7-150996417-C-T. GRCh37 (hg19) VCF-style: chr7-150693505-C-T.
Other names: c.284C>T, p.Thr95Ile (NM_001160109.2, NM_001160110.1, NM_001160111.1); short protein forms T95I.
Identifiers: ClinVar variation 931540 (VCV000931540.3), dbSNP rs1802424536, ClinGen allele CA369851677.

ClinVar aggregate classification (germline): Uncertain significance (1 of 4 stars; one submission).

Conditions:
Essential hypertension. Identifiers: MedGen C0085580, MONDO:0001134.

Submission:

Centre for Mendelian Genomics, University Medical Centre Ljubljana
Classification: Uncertain significance for Essential hypertension, genetic. Last evaluated: 2019-08-14. Review status: criteria provided, single submitter. Criteria: ACMG Guidelines, 2015. Collection method: clinical testing. Allele origin: unknown. Affected: yes.
Comment: This variant was classified as: Uncertain significance. The available evidence on this variant's pathogenicity is insufficient or conflicting. The following ACMG criteria were applied in classifying this variant: PM2,PP3.